The following is an entry in ClinVar:

ClinVar aggregate classification (germline): Uncertain significance. Review status: criteria provided, multiple submitters, no conflicts (2 of 4 stars). 2 submissions from 2 submitters: Uncertain significance (2). Last evaluated 2024-11-14.

Allele frequency attached by ClinVar (database versions not stated): TOPMed below 0.00001; gnomAD 0.00001; ExAC 0.00002; gnomAD exomes 0.00002; ESP Exome Variant Server 0.00008.
gnomAD v4.1: 28 of 1,614,216 alleles (0.0017%); highest among the groups gnomAD compares: Middle Eastern, 0.016%; no homozygotes.

Submissions (2):

Ambry Genetics
Classification: Uncertain significance. Last evaluated: 2024-11-14. Review status: criteria provided, single submitter. Criteria: Ambry Variant Classification Scheme 2023. Collection method: clinical testing. Allele origin: germline.

CeGaT Center for Human Genetics Tuebingen
Classification: Uncertain significance. Last evaluated: 2024-03-01. Review status: criteria provided, single submitter. Criteria: CeGaT Center For Human Genetics Tuebingen Variant Classification Criteria Version 2. Collection method: clinical testing. Allele origin: germline. Affected: yes. Observed: 1 variant allele.
Comment: LAMC1: PM2

NM_002293.4(LAMC1):c.2476C>T (p.Arg826Cys)

Gene: LAMC1 (laminin subunit gamma 1; plus strand). Cytogenetic location: 1q25.3.
Variant type: single nucleotide variant.
Coding change: c.2476C>T on transcript NM_002293.4 (MANE Select); coding-DNA position 2476, C replaced by T.
Protein change: p.Arg826Cys; replaces arginine 826 with cysteine.
Molecular consequence: missense variant.
Genome position (GRCh38, 1-based): chr1:183,124,705, C>T. VCF-style: chr1-183124705-C-T. GRCh37 (hg19) VCF-style: chr1-183093840-C-T.
Other names: c.2476C>T (NM_002293.3); short protein forms R826C.
Identifiers: ClinVar variation 3067338 (VCV003067338.22), dbSNP rs371328571, ClinGen allele CA1281380.